The following is an entry in ClinVar:

NM_001195626.3(MLLT10):c.1052-14_1052-10del

Gene: MLLT10 (MLLT10 histone lysine methyltransferase DOT1L cofactor; plus strand). Cytogenetic location: 10p12.31.
Variant type: Deletion.
Coding change: c.1052-14_1052-10del on transcript NM_001195626.3 (MANE Select); 14 bases into the intron before coding-DNA position 1052 through 10 bases into the intron before coding-DNA position 1052, 5 bases deleted (TTTTT; older notation c.1052-14_1052-10delTTTTT).
Molecular consequence: intron variant.
Genome position (GRCh38, 1-based): chr10:21,673,336-21,673,340, TTTTT deleted; deleting any 5 consecutive bases within chr10:21,673,319-21,673,340 gives the same sequence; the c. name uses the placement nearest the transcript's 3' end. VCF-style (leftmost placement, unchanged base first): chr10-21673318-CTTTTT-C. GRCh37 (hg19) VCF-style: chr10-21962247-CTTTTT-C.
Other names: c.317-14_317-10del (NM_001324297.2); c.1052-14_1052-10del (NM_004641.4).
Identifiers: ClinVar variation 3039949 (VCV003039949.2), dbSNP rs397719980, ClinGen allele CA662859514.

ClinVar aggregate classification (germline): Likely benign (0 of 4 stars; one submission).

Conditions:
MLLT10-related disorder. Also called: MLLT10-related condition.

Submission:

PreventionGenetics, part of Exact Sciences
Classification: Likely benign for MLLT10-related condition. Last evaluated: 2019-04-09. Review status: no assertion criteria provided. Collection method: clinical testing. Allele origin: germline.
Comment: This variant is classified as likely benign based on ACMG/AMP sequence variant interpretation guidelines (Richards et al. 2015 PMID: 25741868, with internal and published modifications).